The following is an entry in ClinVar:

NM_002386.4(MC1R):c.178G>T (p.Val60Leu)

Gene: MC1R (melanocortin 1 receptor; plus strand). Cytogenetic location: 16q24.3.
Variant type: single nucleotide variant.
Coding change: c.178G>T on transcript NM_002386.4 (MANE Select); coding-DNA position 178, G replaced by T.
Protein change: p.Val60Leu; replaces valine 60 with leucine.
Molecular consequence: missense variant.
Genome position (GRCh38, 1-based): chr16:89,919,436, G>T. VCF-style: chr16-89919436-G-T. GRCh37 (hg19) VCF-style: chr16-89985844-G-T.
Other names: short protein forms V60L.
Identifiers: ClinVar variation 14311 (VCV000014311.21), dbSNP rs1805005, ClinGen allele CA123869.
Genomic context (GRCh38, chr16:89,919,436, plus strand): 5'-ATCTCTGACGGGCTCTTCCTCAGCCTGGGGCTGGTGAGCTTGGTGGAGAACGCGCTGGTG[G>T]TGGCCACCATCGCCAAGAACCGGAACCTGCACTCACCCATGTACTGCTTCATCTGCTGCC-3'
Protein context (NP_002377.4, residues 50-70): LVSLVENALV[Val60Leu]ATIAKNRNLH

ClinVar aggregate classification (germline): Benign/Likely benign. Review status: criteria provided, multiple submitters, no conflicts (2 of 4 stars). 10 submissions from 10 submitters: Benign (7); Likely benign (1). 2 of the submissions do not count toward it. Last evaluated 2026-02-04.

Conditions:
Malignant tumor of breast. Also called: Malignant breast neoplasm; Cancer breast. Identifiers: MedGen C0006142, MONDO:0007254. Disease mechanism: loss of function.
Skin/hair/eye pigmentation 2, blond hair/fair skin. Identifiers: MedGen C2675047.
Melanoma, cutaneous malignant, susceptibility to, 5. Also called: Cutaneous malignant melanoma 5. Identifiers: Orphanet 618, MedGen C2751295, MONDO:0013133, OMIM 613099.
SKIN/HAIR/EYE PIGMENTATION, VARIATION IN, 2 (SHEP2). Also called: HAIR COLOR 2; RED HAIR COLOR; BLOND HAIR/FAIR SKIN. Identifiers: MedGen C1849452, OMIM 266300.
Tyrosinase-positive oculocutaneous albinism (OCA2). Also called: Oculocutaneous albinism type 2; Albinism, oculocutaneous, type II; ALBINISM II. Identifiers: Orphanet 79432, MedGen C0268495, MONDO:0008746, OMIM 203200.
Increased analgesia from kappa-opioid receptor agonist, female-specific. Identifiers: MedGen C2751296, OMIM 613098.

Allele frequency attached by ClinVar (database versions not stated): 1000 Genomes Project 30x 0.03467; 1000 Genomes Project 0.03534; gnomAD 0.07934 and 0.08197; TOPMed 0.08301; ExAC 0.08321; gnomAD exomes 0.08598 and 0.10868.
gnomAD v4.1: 171,627 of 1,613,224 alleles (11%); highest among the groups gnomAD compares: Non-Finnish European, 12%; 11,236 homozygotes.

Submissions (10):

Labcorp Genetics (formerly Invitae), Labcorp
Classification: Benign for Melanoma, cutaneous malignant, susceptibility to, 5. Last evaluated: 2026-02-04. Review status: criteria provided, single submitter. Criteria: Invitae Variant Classification Sherloc (09022015). Collection method: clinical testing. Allele origin: germline.

Blueprint Genetics
Classification: Benign. Last evaluated: 2024-11-27. Review status: criteria provided, single submitter. Criteria: ACMG Guidelines, 2015. Collection method: clinical testing. Allele origin: germline.

Mayo Clinic Laboratories, Mayo Clinic
Classification: Benign. Last evaluated: 2022-12-09. Review status: criteria provided, single submitter. Criteria: ACMG Guidelines, 2015. Collection method: clinical testing. Allele origin: germline. Observed: 51 variant alleles.

Fulgent Genetics
Classification: Likely benign for Tyrosinase-positive oculocutaneous albinism; SKIN/HAIR/EYE PIGMENTATION, VARIATION IN, 2; Increased analgesia from kappa-opioid receptor agonist, female-specific; Melanoma, cutaneous malignant, susceptibility to, 5. Last evaluated: 2022-02-21. Review status: criteria provided, single submitter. Criteria: ACMG Guidelines, 2015. Collection method: clinical testing. Allele origin: unknown.

GeneDx
Classification: Benign. Last evaluated: 2018-06-22. Review status: criteria provided, single submitter. Criteria: GeneDx Variant Classification Process June 2021. Collection method: clinical testing. Allele origin: germline. Affected: yes.
Comment: This variant is associated with the following publications: (PMID: 22547573, 30414346, 31382929, 30531825, 27251790, 26103569, 9302268, 19077144, 20876876, 24335900, 18366057, 17616515, 11875032, 24660985, 24665948, 23647022, 10403794, 22464597)

Illumina Laboratory Services, Illumina
Classification: Benign for Melanoma, cutaneous malignant, susceptibility to, 5. Last evaluated: 2017-04-27. Review status: criteria provided, single submitter. Criteria: ICSL Variant Classification Criteria 13 December 2019. Collection method: clinical testing. Allele origin: germline.
Comment: This variant was observed as part of a predisposition screen in an ostensibly healthy population. A literature search was performed for the gene, cDNA change, and amino acid change (where applicable). Publications were found based on this search. The evidence from the literature, in combination with allele frequency data from public databases where available, was sufficient to rule this variant out of causing disease. Therefore, this variant is classified as benign.

PreventionGenetics, part of Exact Sciences
Classification: Benign. Last evaluated: 2016-02-09. Review status: criteria provided, single submitter. Criteria: ACMG Guidelines, 2015. Collection method: clinical testing. Allele origin: germline.

Breakthrough Genomics
Classification: Benign. Review status: criteria provided, single submitter. Criteria: ACMG Guidelines, 2015. Collection method: not provided. Allele origin: germline. Inheritance: Autosomal recessive inheritance. Affected: yes.

OMIM
Classification: association for SKIN/HAIR/EYE PIGMENTATION 2, BLOND HAIR/FAIR SKIN. Last evaluated: 1997-10-01. Review status: no assertion criteria provided. Collection method: literature only. Allele origin: germline. Not counted in ClinVar's aggregate classification.

Center of Medical Genetics and Primary Health Care
Classification: Benign for Breast Cancer. Review status: no assertion criteria provided. Collection method: clinical testing. Allele origin: germline. Affected: yes. Not counted in ClinVar's aggregate classification.

Literature cited by the submitters: PubMed 19710684 (cited by Illumina Laboratory Services, Illumina); PubMed 17616515 (cited by Illumina Laboratory Services, Illumina); PubMed 16601669 (cited by Illumina Laboratory Services, Illumina); PubMed 9302268 (cited by Illumina Laboratory Services, Illumina and OMIM); PubMed 19585506 (cited by Illumina Laboratory Services, Illumina); PubMed 10631149 (cited by Illumina Laboratory Services, Illumina); PubMed 21128237 (cited by Illumina Laboratory Services, Illumina).